The following is an entry in ClinVar:

NM_007294.4(BRCA1):c.2862A>G (p.Leu954=)

Gene: BRCA1 (BRCA1 DNA repair associated; minus strand). Cytogenetic location: 17q21.31.
Variant type: single nucleotide variant.
Coding change: c.2862A>G on transcript NM_007294.4 (MANE Select); coding-DNA position 2862, A replaced by G.
Protein change: p.Leu954=; no amino-acid change (leucine 954 retained).
Molecular consequence: synonymous variant. On other transcripts: intron variant (137).
Genome position (GRCh38, 1-based): chr17:43,092,669, T>C on the plus strand (A>G on the coding strand, the complement: BRCA1 is on the minus strand). VCF-style: chr17-43092669-T-C. GRCh37 (hg19) VCF-style: chr17-41244686-T-C.
Other names: c.668-1637A>G (NM_001408421.1, NM_001408431.1, NM_001408424.1); c.785-1637A>G (NM_001407991.1, NM_001408407.1, NM_001408402.1 and 13 more transcripts); c.665-1637A>G (NM_001408427.1, NM_001408443.1, NM_001408439.1 and 12 more transcripts); c.524-1637A>G (NM_001408496.1, NM_001408499.1, NM_001408498.1 and 3 more transcripts); c.647-1637A>G (NM_001408460.1, NM_001408454.1, NM_001408456.1 and 11 more transcripts); c.707-1637A>G (NM_001408413.1, NM_001408416.1); c.587-1637A>G (NM_001408476.1, NM_001408474.1); c.710-1637A>G (NM_001408409.1, NM_001408414.1, NM_001408411.1 and 2 more transcripts); and 41 more.
Identifiers: ClinVar variation 184697 (VCV000184697.25), dbSNP rs559190752, ClinGen allele CA001863.

ClinVar aggregate classification (germline): Likely benign. Review status: reviewed by expert panel (3 of 4 stars). 8 submissions from 8 submitters: Likely benign (1). 7 of the submissions do not count toward it. Last evaluated 2017-06-29.

Conditions:
Hereditary breast ovarian cancer syndrome. Also called: Hereditary breast and ovarian cancer syndrome; Hereditary breast and ovarian cancer syndrome (HBOC); BRCA1- and BRCA2-Associated Hereditary Breast and Ovarian Cancer; Breast and ovarian cancer; Hereditary breast and ovarian cancer; Hereditary breast and/or ovarian cancer syndrome. Identifiers: Orphanet 145, MedGen C0677776, MeSH D061325, MONDO:0003582. Disease mechanism: loss of function.
Hereditary cancer-predisposing syndrome. Also called: Hereditary Cancer Syndrome; Hereditary neoplastic syndrome; Tumor predisposition; Neoplastic Syndromes, Hereditary. Identifiers: Orphanet 140162, MedGen C0027672, MeSH D009386, MONDO:0015356.
Breast-ovarian cancer, familial, susceptibility to, 1 (BROVCA1). Also called: OVARIAN CANCER, SUSCEPTIBILITY TO; BRCA1 Hereditary Breast and Ovarian Cancer. Identifiers: Orphanet 145, MedGen C2676676, MONDO:0011450, OMIM 604370. Disease mechanism: loss of function.

Allele frequency attached by ClinVar (database versions not stated): TOPMed 0.00004; 1000 Genomes Project 30x 0.00016; 1000 Genomes Project 0.00020; gnomAD exomes 0.00002; ExAC 0.00003; gnomAD 0.00003.
gnomAD v4.1: 28 of 1,614,126 alleles (0.0017%); highest among the groups gnomAD compares: African/African-American, 0.016%; no homozygotes.

Submissions (8):

Evidence-based Network for the Interpretation of Germline Mutant Alleles (ENIGMA)
Classification: Likely benign for Breast-ovarian cancer, familial, susceptibility to, 1. Last evaluated: 2017-06-29. Review status: reviewed by expert panel. Criteria: ENIGMA BRCA1/2 Classification Criteria (2017-06-29). Collection method: curation. Allele origin: germline.
Comment: Synonymous substitution variant, with low bioinformatic likelihood to result in a splicing aberration (Splicing prior probability 0.02).

Labcorp Genetics (formerly Invitae), Labcorp
Classification: Likely benign for Hereditary breast ovarian cancer syndrome. Last evaluated: 2026-01-08. Review status: criteria provided, single submitter. Criteria: Invitae Variant Classification Sherloc (09022015). Collection method: clinical testing. Allele origin: germline. Not counted in ClinVar's aggregate classification.

Quest Diagnostics Nichols Institute San Juan Capistrano
Classification: Likely benign. Last evaluated: 2019-08-18. Review status: criteria provided, single submitter. Criteria: Quest Diagnostics criteria. Collection method: clinical testing. Allele origin: germline. Not counted in ClinVar's aggregate classification.

GeneDx
Classification: Likely benign. Last evaluated: 2018-07-09. Review status: criteria provided, single submitter. Criteria: GeneDx Variant Classification Process June 2021. Collection method: clinical testing. Allele origin: germline. Affected: yes. Not counted in ClinVar's aggregate classification.
Comment: This variant is associated with the following publications: (PMID: 16267036)

Women's Health and Genetics/Laboratory Corporation of America, LabCorp
Classification: Likely benign. Last evaluated: 2017-04-14. Review status: criteria provided, single submitter. Criteria: LabCorp Variant Classification Summary - May 2015. Collection method: clinical testing. Allele origin: germline. Not counted in ClinVar's aggregate classification.
Comment: Variant summary: The BRCA1 c.2862A>G (p.Leu954Leu) variant involves the alteration of a non-conserved nucleotide, resulting in a synonymous change. One in silico tool predicts a benign outcome for this variant. 4/5 splice prediction tools predict no significant impact on normal splicing and ESE finder predicts that this variant does not affect ESE sites at the locus. However, these predictions have yet to be confirmed by functional studies. This variant was found in the large control database ExAC at a frequency of 0.000033 (4/121352 control chromosomes), which does not exceed the estimated maximal expected allele frequency of a pathogenic BRCA1 variant (0.0010005). A study on colonic cancer found the variant in a colonic adenoma sample. However, there was at least one pathogenic co-occurrence of a possible driver mutation in the APC gene (p.Arg1450X; Pathogenic/likely pathogenic in ClinVar), suggesting that this variant of interest is not likely to be involved in this oncogenesis and its presence in the adenoma sample could represent a passenger mutation (Dame_bioRxiv_2017). Another publication included the variant as part of a common haplotype and classified it as a benign polymorphism (Judkins_Cancer Res_2005). In addition, multiple clinical diagnostic laboratories classified this variant as likely benign. Taken together, this variant is classified as Likely Benign until unequivocal evidence of germline co-occurrence with other pathogenic variants, and/or functional and control evidence supportive of a benign role are obtained.

Color Diagnostics, LLC DBA Color Health
Classification: Likely benign for Hereditary cancer-predisposing syndrome. Last evaluated: 2016-04-25. Review status: criteria provided, single submitter. Criteria: ACMG Guidelines, 2015. Collection method: clinical testing. Allele origin: germline. Not counted in ClinVar's aggregate classification.

Ambry Genetics
Classification: Likely benign for Hereditary cancer-predisposing syndrome. Last evaluated: 2014-11-10. Review status: criteria provided, single submitter. Criteria: Ambry Variant Classification Scheme 2023. Collection method: clinical testing. Allele origin: germline. Not counted in ClinVar's aggregate classification.

Department of Pathology and Laboratory Medicine, Sinai Health System
Classification: Likely benign. Review status: no assertion criteria provided. Collection method: clinical testing. Allele origin: unknown. Affected: yes. Study: The Canadian Open Genetics Repository (COGR). Not counted in ClinVar's aggregate classification.
Comment: The BRCA1 p.Leu954Leu variant was not identified in the literature, nor was it identified in the HGMD, BIC, LOVD or COSMIC databases. The variant was identified in UMD (1X as an unclassified variant). The variant is not expected to have clinical significance because it does not result in a change of amino acid and is not located in a known consensus splice site. In summary, based on the above information, the clinical significance of this variant cannot be determined with certainty at this time although we would lean towards a more benign role for this variant. This variant is classified as predicted benign.

Literature cited by the submitters: PubMed 29467240 (cited by Quest Diagnostics Nichols Institute San Juan Capistrano); PubMed 16267036 (cited by Quest Diagnostics Nichols Institute San Juan Capistrano and Women's Health and Genetics/Laboratory Corporation of America, LabCorp).